The following is an entry in ClinVar:

ClinVar aggregate classification (germline): Uncertain significance (1 of 4 stars; one submission).

Submission:

GeneDx
Classification: Uncertain significance. Last evaluated: 2017-11-22. Review status: criteria provided, single submitter. Criteria: GeneDx Variant Classification (06012015). Collection method: clinical testing. Allele origin: germline. Affected: yes.
Comment: The c.270_271delAGinsGC variant in the TEK gene has not been reported previously as a pathogenic variant nor as a benign variant, to our knowledge. The c.270_271delAGinsGC variant causes an in-frame deletion of a single amino acid residue and the insertion of an incorrect residue, resulting in a missense substitution at position 91 of the reading frame, denoted p.Glu91Gln (E91Q). This is a semi-conservative amino acid substitution, which may impact secondary protein structure as these residues differ in some properties. In-silico analyses, including protein predictors and evolutionary conservation, support that this variant does not alter protein structure/function. The c.270_271delAGinsGC variant is observed in 2/24032 (0.0083%) alleles from individuals of African background in large population cohorts (Lek et al., 2016). We interpret c.270_271delAGinsGC as a variant of uncertain significance.

NM_000459.5(TEK):c.270_271delinsGC (p.Glu91Gln)

Gene: TEK (TEK receptor tyrosine kinase; plus strand). Cytogenetic location: 9p21.2.
Variant type: Indel.
Coding change: c.270_271delinsGC on transcript NM_000459.5 (MANE Select); coding-DNA positions 270 to 271, AG replaced by GC.
Protein change: p.Glu91Gln; replaces glutamic acid 91 with glutamine.
Molecular consequence: missense variant. On other transcripts: intron variant (1).
Genome position (GRCh38, 1-based): chr9:27,158,048-27,158,049, AG replaced by GC. VCF-style: chr9-27158048-AG-GC. GRCh37 (hg19) VCF-style: chr9-27158046-AG-GC.
Other names: c.270_271delinsGC, p.Glu91Gln (NM_001290077.2, NM_001375475.1, NM_001375476.1); c.53-10447_53-10446delinsGC (NM_001290078.2); short protein forms E91Q.
Identifiers: ClinVar variation 503879 (VCV000503879.2), dbSNP rs1554691653, ClinGen allele CA658797190.